The following is an entry in ClinVar:

NM_006180.6(NTRK2):c.286C>G (p.Leu96Val)

Gene: NTRK2 (neurotrophic receptor tyrosine kinase 2; plus strand). Cytogenetic location: 9q21.33.
Variant type: single nucleotide variant.
Coding change: c.286C>G on transcript NM_006180.6 (MANE Select); coding-DNA position 286, C replaced by G.
Protein change: p.Leu96Val; replaces leucine 96 with valine.
Molecular consequence: missense variant. On other transcripts: 5 prime UTR variant (4).
Genome position (GRCh38, 1-based): chr9:84,702,232, C>G. VCF-style: chr9-84702232-C-G. GRCh37 (hg19) VCF-style: chr9-87317147-C-G.
Other names: c.286C>G, p.Leu96Val (NM_001007097.3, NM_001018064.3, NM_001018065.2 and 18 more transcripts); c.-183C>G (NM_001369535.1, NM_001369536.1, NM_001369550.1 and 1 more transcripts); short protein forms L96V.
Identifiers: ClinVar variation 3368361 (VCV003368361.1).

ClinVar aggregate classification (germline): Uncertain significance (1 of 4 stars; one submission).

Submission:

GeneDx
Classification: Uncertain significance. Last evaluated: 2024-01-26. Review status: criteria provided, single submitter. Criteria: GeneDx Variant Classification Process June 2021. Collection method: clinical testing. Allele origin: germline. Affected: yes.
Comment: Not observed at significant frequency in large population cohorts (gnomAD); In silico analysis supports that this missense variant does not alter protein structure/function; Has not been previously published as pathogenic or benign to our knowledge